The following is an entry in ClinVar:

NM_000059.4(BRCA2):c.3272T>C (p.Leu1091Ser)

Gene: BRCA2 (BRCA2 DNA repair associated; plus strand). Cytogenetic location: 13q13.1.
Variant type: single nucleotide variant.
Coding change: c.3272T>C on transcript NM_000059.4 (MANE Select); coding-DNA position 3272, T replaced by C.
Protein change: p.Leu1091Ser; replaces leucine 1091 with serine.
Molecular consequence: missense variant.
Genome position (GRCh38, 1-based): chr13:32,337,627, T>C. VCF-style: chr13-32337627-T-C. GRCh37 (hg19) VCF-style: chr13-32911764-T-C.
Other names: short protein forms L1091S.
Identifiers: ClinVar variation 999390 (VCV000999390.10), dbSNP rs1064795577, ClinGen allele CA387776056.

ClinVar aggregate classification (germline): Conflicting classifications of pathogenicity. Review status: criteria provided, conflicting classifications (1 of 4 stars). 2 submissions from 2 submitters: Uncertain significance (1); Likely benign (1). Last evaluated 2023-03-23.

Conditions:
Hereditary cancer-predisposing syndrome. Also called: Neoplastic Syndromes, Hereditary; Tumor predisposition; Hereditary Cancer Syndrome; Hereditary neoplastic syndrome. Identifiers: Orphanet 140162, MedGen C0027672, MeSH D009386, MONDO:0015356.
Hereditary breast ovarian cancer syndrome. Also called: Hereditary breast and ovarian cancer syndrome; Hereditary breast and/or ovarian cancer syndrome; Hereditary breast and ovarian cancer syndrome (HBOC); Breast and ovarian cancer; BRCA1- and BRCA2-Associated Hereditary Breast and Ovarian Cancer; Hereditary breast and ovarian cancer. Identifiers: Orphanet 145, MedGen C0677776, MeSH D061325, MONDO:0003582. Disease mechanism: loss of function.

Submissions (2):

University of Washington Department of Laboratory Medicine, University of Washington
Classification: Likely benign for Hereditary cancer-predisposing syndrome. Last evaluated: 2023-03-23. Review status: criteria provided, single submitter. Criteria: Dines et al. (Genet Med. 2020). Collection method: curation. Allele origin: germline.
Comment: Missense variant in a coldspot region where missense variants are very unlikely to be pathogenic (PMID:31911673).

BRCA2 exon 11 coldspot. Reclassification based on statistical prior probability.

Labcorp Genetics (formerly Invitae), Labcorp
Classification: Uncertain significance for Hereditary breast ovarian cancer syndrome. Last evaluated: 2018-12-31. Review status: criteria provided, single submitter. Criteria: Invitae Variant Classification Sherloc (09022015). Collection method: clinical testing. Allele origin: germline.
Comment: This variant is not present in population databases (ExAC no frequency). This sequence change replaces leucine with serine at codon 1091 of the BRCA2 protein (p.Leu1091Ser). The leucine residue is weakly conserved and there is a large physicochemical difference between leucine and serine. This variant has not been reported in the literature in individuals with BRCA2-related conditions. In summary, the available evidence is currently insufficient to determine the role of this variant in disease. Therefore, it has been classified as a Variant of Uncertain Significance. Algorithms developed to predict the effect of missense changes on protein structure and function output the following: SIFT: "Tolerated"; PolyPhen-2: "Benign"; Align-GVGD: "Class C0". The serine amino acid residue is found in multiple mammalian species, suggesting that this missense change does not adversely affect protein function. These predictions have not been confirmed by published functional studies and their clinical significance is uncertain.